The following is an entry in ClinVar:

NM_206933.4(USH2A):c.10298A>G (p.Asn3433Ser)

Gene: USH2A (usherin; minus strand). Cytogenetic location: 1q41.
Variant type: single nucleotide variant.
Coding change: c.10298A>G on transcript NM_206933.4 (MANE Select); coding-DNA position 10298, A replaced by G.
Protein change: p.Asn3433Ser; replaces asparagine 3433 with serine.
Molecular consequence: missense variant.
Genome position (GRCh38, 1-based): chr1:215,786,759, T>C on the plus strand (A>G on the coding strand, the complement: USH2A is on the minus strand). VCF-style: chr1-215786759-T-C. GRCh37 (hg19) VCF-style: chr1-215960101-T-C.
Other names: short protein forms N3433S.
Identifiers: ClinVar variation 2415244 (VCV002415244.3), dbSNP rs367657221, ClinGen allele CA1394057.

ClinVar aggregate classification (germline): Uncertain significance (1 of 4 stars; one submission).

Allele frequency attached by ClinVar (database versions not stated): ExAC 0.00001; gnomAD exomes 0.00001; TOPMed 0.00001; ESP Exome Variant Server 0.00008.
gnomAD v4.1: 21 of 1,614,032 alleles (0.0013%); highest among the groups gnomAD compares: Non-Finnish European, 0.0017%; no homozygotes.

Submission:

Labcorp Genetics (formerly Invitae), Labcorp
Classification: Uncertain significance. Last evaluated: 2022-05-08. Review status: criteria provided, single submitter. Criteria: Invitae Variant Classification Sherloc (09022015). Collection method: clinical testing. Allele origin: germline.
Comment: This sequence change replaces asparagine, which is neutral and polar, with serine, which is neutral and polar, at codon 3433 of the USH2A protein (p.Asn3433Ser). This variant is present in population databases (rs367657221, gnomAD 0.007%). This variant has not been reported in the literature in individuals affected with USH2A-related conditions. Algorithms developed to predict the effect of missense changes on protein structure and function output the following: SIFT: "Tolerated"; PolyPhen-2: "Benign"; Align-GVGD: "Class C0". The serine amino acid residue is found in multiple mammalian species, which suggests that this missense change does not adversely affect protein function. In summary, the available evidence is currently insufficient to determine the role of this variant in disease. Therefore, it has been classified as a Variant of Uncertain Significance.